The following is an entry in ClinVar:

ClinVar aggregate classification (germline): Uncertain significance. Review status: criteria provided, multiple submitters, no conflicts (2 of 4 stars). 3 submissions from 3 submitters: Uncertain significance (3). Last evaluated 2025-10-18.

Conditions:
Hereditary cancer-predisposing syndrome. Also called: Neoplastic Syndromes, Hereditary; Hereditary Cancer Syndrome; Tumor predisposition; Hereditary neoplastic syndrome. Identifiers: Orphanet 140162, MedGen C0027672, MeSH D009386, MONDO:0015356.
Familial cancer of breast. Also called: Hereditary breast cancer; BREAST CANCER, FAMILIAL; hereditary breast carcinoma. Identifiers: Orphanet 227535, MedGen C0346153, MONDO:0016419, OMIM 114480. Disease mechanism: loss of function.
Ataxia-telangiectasia syndrome (AT). Also called: LOUIS-BAR SYNDROME; Cerebello-oculocutaneous telangiectasia; Immunodeficiency with ataxia telangiectasia; Ataxia-telangiectasia, complementation group D; AT, COMPLEMENTATION GROUP C; Ataxia-telangiectasia, complementation group E. Identifiers: Orphanet 100, MedGen C0004135, MONDO:0008840, OMIM 208900.

Submissions (3):

Ambry Genetics
Classification: Uncertain significance for Hereditary cancer-predisposing syndrome. Last evaluated: 2025-10-18. Review status: criteria provided, single submitter. Criteria: Ambry Variant Classification Scheme 2023. Collection method: clinical testing. Allele origin: germline.

Baylor Genetics
Classification: Uncertain significance for Familial cancer of breast. Last evaluated: 2024-03-20. Review status: criteria provided, single submitter. Criteria: ACMG Guidelines, 2015. Collection method: clinical testing. Allele origin: unknown.

Labcorp Genetics (formerly Invitae), Labcorp
Classification: Uncertain significance for Ataxia-telangiectasia syndrome. Last evaluated: 2022-06-13. Review status: criteria provided, single submitter. Criteria: Invitae Variant Classification Sherloc (09022015). Collection method: clinical testing. Allele origin: germline.
Comment: This sequence change replaces leucine, which is neutral and non-polar, with serine, which is neutral and polar, at codon 2001 of the ATM protein (p.Leu2001Ser). This variant is not present in population databases (gnomAD no frequency). This variant has not been reported in the literature in individuals affected with ATM-related conditions. ClinVar contains an entry for this variant (Variation ID: 482733). Advanced modeling of protein sequence and biophysical properties (such as structural, functional, and spatial information, amino acid conservation, physicochemical variation, residue mobility, and thermodynamic stability) performed at Invitae indicates that this missense variant is not expected to disrupt ATM protein function. In summary, the available evidence is currently insufficient to determine the role of this variant in disease. Therefore, it has been classified as a Variant of Uncertain Significance.

NM_000051.4(ATM):c.6002T>C (p.Leu2001Ser)

Genes: ATM (ATM serine/threonine kinase; plus strand), C11orf65 (chromosome 11 open reading frame 65; minus strand). Cytogenetic location: 11q22.3.
Variant type: single nucleotide variant.
Coding change: c.6002T>C on transcript NM_000051.4 (MANE Select); coding-DNA position 6002, T replaced by C.
Protein change: p.Leu2001Ser; replaces leucine 2001 with serine.
Molecular consequence: missense variant. On other transcripts: intron variant (2).
Genome position (GRCh38, 1-based): chr11:108,312,494, T>C. VCF-style: chr11-108312494-T-C. GRCh37 (hg19) VCF-style: chr11-108183221-T-C.
Other names: c.6002T>C, p.Leu2001Ser (NM_001351834.2); c.641-3423A>G (NM_001330368.2); c.*39-3423A>G (NM_001351110.2); short protein forms L2001S.
Identifiers: ClinVar variation 482733 (VCV000482733.51), dbSNP rs1555111910, ClinGen allele CA382548809.
Genomic context (GRCh38, chr11:108,312,494, plus strand): 5'-GCCAGAGTACAACTATTTCTAGCTTGAGTGAAAAAAGTAAAGAAGAAACTGGAATAAGTT[T>C]ACAGGTAAATATTAGAGGCTCTATTATTTATGACAGTATTTATCTCATACTTTGGGTTAT-3'
Protein context (NP_000042.3, residues 1991-2011): EKSKEETGIS[Leu2001Ser]QDLLLEIYRS